The following is an entry in ClinVar:

ClinVar aggregate classification (germline): Uncertain significance (1 of 4 stars; one submission).

gnomAD v4.1: 3 of 1,613,922 alleles (0.00019%); highest among the groups gnomAD compares: Middle Eastern, 0.016%; no homozygotes.

Submission:

Labcorp Genetics (formerly Invitae), Labcorp
Classification: Uncertain significance. Last evaluated: 2025-11-13. Review status: criteria provided, single submitter. Criteria: Invitae Variant Classification Sherloc (09022015). Collection method: clinical testing. Allele origin: germline.
Comment: This sequence change replaces serine, which is neutral and polar, with threonine, which is neutral and polar, at codon 37 of the FOXP1 protein (p.Ser37Thr). This variant is present in population databases (no rsID available, gnomAD no frequency). This variant has not been reported in the literature in individuals affected with FOXP1-related conditions. Invitae Evidence Modeling of protein sequence and biophysical properties (such as structural, functional, and spatial information, amino acid conservation, physicochemical variation, residue mobility, and thermodynamic stability) indicates that this missense variant is not expected to disrupt FOXP1 protein function with a negative predictive value of 80%. In summary, the available evidence is currently insufficient to determine the role of this variant in disease. Therefore, it has been classified as a Variant of Uncertain Significance.

NM_001349338.3(FOXP1):c.109T>A (p.Ser37Thr)

Gene: FOXP1 (forkhead box P1; minus strand). Cytogenetic location: 3p13.
Variant type: single nucleotide variant.
Coding change: c.109T>A on transcript NM_001349338.3 (MANE Select); coding-DNA position 109, T replaced by A.
Protein change: p.Ser37Thr; replaces serine 37 with threonine.
Molecular consequence: missense variant. On other transcripts: non-coding transcript variant (2).
Genome position (GRCh38, 1-based): chr3:71,198,273, A>T on the plus strand (T>A on the coding strand, the complement: FOXP1 is on the minus strand). VCF-style: chr3-71198273-A-T. GRCh37 (hg19) VCF-style: chr3-71247424-A-T.
Other names: c.109T>A, p.Ser37Thr (NM_001012505.2, NM_001244808.3, NM_001244810.2 and 6 more transcripts); short protein forms S37T.
Identifiers: ClinVar variation 4770003 (VCV004770003.1).
Genomic context (GRCh38, chr3:71,198,273, plus strand): 5'-GCTGCTGGGCGTGGGCGAGGTCAGCTGCCCCGATGTCCACGGCCGGCGTCTCTCCGTTGG[A>T]CCGCCCCTCCCGAAGACCGCCGCACTCTAGTAAGTGGTTGCTGCCGCCCGACCCATTCTG-3'
Protein context (NP_001336267.1, residues 27-47): LECGGLREGR[Ser37Thr]NGETPAVDIG